The following is an entry in ClinVar:

ClinVar aggregate classification (germline): Conflicting classifications of pathogenicity. Review status: criteria provided, conflicting classifications (1 of 4 stars). 2 submissions from 2 submitters: Uncertain significance (1); Likely benign (1). Last evaluated 2024-03-18.

Conditions:
Progressive sclerosing poliodystrophy (MTDPS4A). Also called: Alpers Syndrome; Mitochondrial DNA depletion syndrome 4A (Alpers type); Mitochondrial DNA Depletion Syndrome 4A; Alpers-Huttenlocher Syndrome (AHS); ALPERS PROGRESSIVE INFANTILE POLIODYSTROPHY; ALPERS DIFFUSE DEGENERATION OF CEREBRAL GRAY MATTER WITH HEPATIC CIRRHOSIS. Identifiers: Orphanet 726, MedGen C0205710, MONDO:0008758, OMIM 203700.

Submissions (2):

Blueprint Genetics
Classification: Likely benign. Last evaluated: 2024-03-18. Review status: criteria provided, single submitter. Criteria: ACMG Guidelines, 2015. Collection method: clinical testing. Allele origin: germline.

Wong Mito Lab, Molecular and Human Genetics, Baylor College of Medicine
Classification: Uncertain significance for Progressive sclerosing poliodystrophy. Last evaluated: 2018-10-01. Review status: criteria provided, single submitter. Criteria: ACMG Guidelines, 2015. Collection method: clinical testing. Allele origin: germline.
Comment: The NM_002693.2:c.2426+10C>G (NP_002684.1:p.=) [GRCH38: NC_000015.10:g.89322732G>C] variant in POLG gene is interpretated to be a Uncertain Significance based on ACMG guidelines (PMID: 25741868). This variant meets the following evidence codes reported in the ACMG-guideline. BP4:Computational evidence/predictors indicate no impact on the POLG structure, function, or protein-protein interaction. Based on the evidence criteria codes applied, the variant is suggested to be Uncertain Significance.

NM_002693.3(POLG):c.2426+10C>G

Gene: POLG (DNA polymerase gamma, catalytic subunit; minus strand). Cytogenetic location: 15q26.1.
Variant type: single nucleotide variant.
Coding change: c.2426+10C>G on transcript NM_002693.3 (MANE Select); 10 bases into the intron after coding-DNA position 2426, C replaced by G.
Molecular consequence: intron variant.
Genome position (GRCh38, 1-based): chr15:89,322,732, G>C on the plus strand (C>G on the coding strand, the complement: POLG is on the minus strand). VCF-style: chr15-89322732-G-C. GRCh37 (hg19) VCF-style: chr15-89865963-G-C.
Other names: c.2426+10C>G (NM_001126131.2).
Identifiers: ClinVar variation 619326 (VCV000619326.2), dbSNP rs1567187739, ClinGen allele CA10602227.